The following is an entry in ClinVar:

ClinVar aggregate classification (germline): Likely pathogenic. Review status: criteria provided, multiple submitters, no conflicts (2 of 4 stars). 2 submissions from 2 submitters: Likely pathogenic (2). Last evaluated 2025-09-16.

Conditions:
Cardiovascular phenotype. Identifiers: MedGen CN230736.
Dilated cardiomyopathy 1G (CMD1G). Identifiers: Orphanet 154, MedGen C1858763, MONDO:0011400, OMIM 604145.
Autosomal recessive limb-girdle muscular dystrophy type 2J (LGMDR10). Also called: Limb-girdle muscular dystrophy, type 2J; MUSCULAR DYSTROPHY, LIMB-GIRDLE, AUTOSOMAL RECESSIVE 10. Identifiers: Orphanet 140922, MedGen C1837342, MONDO:0012127, OMIM 608807.

Submissions (2):

Labcorp Genetics (formerly Invitae), Labcorp
Classification: Likely pathogenic for Dilated cardiomyopathy 1G; Autosomal recessive limb-girdle muscular dystrophy type 2J. Last evaluated: 2025-09-16. Review status: criteria provided, single submitter. Criteria: Invitae Variant Classification Sherloc (09022015). Collection method: clinical testing. Allele origin: germline.
Comment: This sequence change creates a premature translational stop signal (p.Arg30300Serfs*39) in the TTN gene. While this is not anticipated to result in nonsense mediated decay, it is expected to create a truncated TTN protein. This variant is not present in population databases (gnomAD no frequency). This variant has not been reported in the literature in individuals affected with TTN-related conditions. ClinVar contains an entry for this variant (Variation ID: 1753120). This variant is located in the A band of TTN (PMID: 25589632). Truncating variants in this region are significantly overrepresented in patients affected with dilated cardiomyopathy (PMID: 25589632). Truncating variants in this region have also been reported in individuals affected with autosomal recessive centronuclear myopathy (PMID: 23975875). In summary, the currently available evidence indicates that the variant is pathogenic, but additional data are needed to prove that conclusively. Therefore, this variant has been classified as Likely Pathogenic.

Ambry Genetics
Classification: Likely pathogenic for Cardiovascular phenotype. Last evaluated: 2021-12-10. Review status: criteria provided, single submitter. Criteria: Ambry Variant Classification Scheme 2023. Collection method: clinical testing. Allele origin: germline.
Comment: The c.63705_63706delAG variant, located in coding exon 162 of the TTN gene, results from a deletion of two nucleotides at nucleotide positions 63705 to 63706, causing a translational frameshift with a predicted alternate stop codon (p.Arg21235Serfs*39). This exon is located in the A-band region of the N2-B isoform of the titin protein and is constitutively expressed in TTN transcripts (percent spliced in or PSI 100%). This variant is considered to be rare based on population cohorts in the Genome Aggregation Database (gnomAD). This alteration is expected to result in loss of function by premature protein truncation or nonsense-mediated mRNA decay. While truncating variants in TTN are present in 1-3% of the general population, truncating variants in the A-band are the most common cause of dilated cardiomyopathy (DCM) (Herman DS et al. N. Engl. J. Med., 2012 Feb;366:619-28; Roberts AM et al. Sci Transl Med, 2015 Jan;7:270ra6). TTN truncating variants encoded in constitutive exons (PSI >90%) have been found to be significantly associated with DCM regardless of their position in titin (Schafer S et al. Nat. Genet., 2017 01;49:46-53). As such, this alteration is classified as likely pathogenic.

Literature cited by the submitters: PubMed 25589632 (cited by Labcorp Genetics (formerly Invitae), Labcorp); PubMed 23975875 (cited by Labcorp Genetics (formerly Invitae), Labcorp).

NM_001267550.2(TTN):c.90900_90901del (p.Arg30300fs)

Genes: TTN (titin; minus strand), TTN-AS1 (TTN antisense RNA 1; plus strand). Cytogenetic location: 2q31.2.
Variant type: Microsatellite.
Coding change: c.90900_90901del on transcript NM_001267550.2 (MANE Select); coding-DNA positions 90900 to 90901, 2 bases deleted (AG; older notation c.90900_90901delAG).
Protein change: p.Arg30300fs; shifts the reading frame from arginine 30300.
Molecular consequence: frameshift variant.
Genome position (GRCh38, 1-based): chr2:178,551,999-178,552,000, CT deleted on the plus strand (AG on the coding strand, the reverse complement: TTN is on the minus strand); deleting any 2 consecutive bases within chr2:178,551,999-178,552,003 gives the same sequence; the c. name uses the placement nearest the transcript's 3' end. VCF-style (leftmost placement, unchanged base first): chr2-178551998-GCT-G. GRCh37 (hg19) VCF-style: chr2-179416725-GCT-G.
Other names: c.85977_85978del, p.Arg28659fs (NM_001256850.1); c.63705_63706del, p.Arg21235fs (NM_003319.4); c.83196_83197del, p.Arg27732fs (NM_133378.4); c.64080_64081del, p.Arg21360fs (NM_133432.3); c.64281_64282del, p.Arg21427fs (NM_133437.4); c.63705_63706delAG (NM_003319.4); short protein forms R21427fs, R21235fs, R21360fs, R27732fs, R28659fs, R30300fs.
Identifiers: ClinVar variation 1753120 (VCV001753120.3), dbSNP rs2469274169, ClinGen allele CA2580614444.